The following is an entry in ClinVar:

ClinVar aggregate classification (germline): Uncertain significance. Review status: criteria provided, multiple submitters, no conflicts (2 of 4 stars). 2 submissions from 2 submitters: Uncertain significance (2). Last evaluated 2025-08-04.

Conditions:
Hypertrophic cardiomyopathy 8. Also called: MYL3-Related Familial Hypertrophic Cardiomyopathy; CARDIOMYOPATHY, HYPERTROPHIC, MID-LEFT VENTRICULAR CHAMBER TYPE, 1. Identifiers: MedGen C1837471, MONDO:0012111, OMIM 608751.
Cardiomyopathy (CMYO). Also called: Cardiomyopathies. Identifiers: Orphanet 167848, MedGen C0878544, MONDO:0004994, HP:0001638. Inheritance: Various modes of inheritance.

Submissions (2):

Color Diagnostics, LLC DBA Color Health
Classification: Uncertain significance for Cardiomyopathy. Last evaluated: 2025-08-04. Review status: criteria provided, single submitter. Criteria: ACMG Guidelines, 2015. Collection method: clinical testing. Allele origin: germline.
Comment: This variant causes a C to G nucleotide substitution at the -3 position of intron 2/6 of the MYL3 gene. Splice site prediction tools predict that this variant may have a significant impact on RNA splicing. To our knowledge, functional studies have not been reported for this variant. This variant has not been reported in individuals affected with MYL3-related disorders in the literature. This variant has not been identified in the general population by the Genome Aggregation Database (gnomAD). The available evidence is insufficient to determine the role of this variant in disease conclusively. Therefore, this variant is classified as a Variant of Uncertain Significance.

Fulgent Genetics
Classification: Uncertain significance for Hypertrophic cardiomyopathy 8. Last evaluated: 2021-08-20. Review status: criteria provided, single submitter. Criteria: ACMG Guidelines, 2015. Collection method: clinical testing. Allele origin: unknown.

NM_000258.3(MYL3):c.158-3C>G

Gene: MYL3 (myosin light chain 3; minus strand). Cytogenetic location: 3p21.31.
Variant type: single nucleotide variant.
Coding change: c.158-3C>G on transcript NM_000258.3 (MANE Select); 3 bases into the intron before coding-DNA position 158, C replaced by G.
Molecular consequence: intron variant.
Genome position (GRCh38, 1-based): chr3:46,860,828, G>C on the plus strand (C>G on the coding strand, the complement: MYL3 is on the minus strand). VCF-style: chr3-46860828-G-C. GRCh37 (hg19) VCF-style: chr3-46902318-G-C.
Identifiers: ClinVar variation 926233 (VCV000926233.5), dbSNP rs111668273, ClinGen allele CA913188109.